The following is an entry in ClinVar:

ClinVar aggregate classification (germline): Conflicting classifications of pathogenicity. Review status: criteria provided, conflicting classifications (1 of 4 stars). 4 submissions from 3 submitters: Uncertain significance (2); Benign (2). Last evaluated 2022-08-01.

Conditions:
Maturity-onset diabetes of the young (MODY). Also called: Maturity onset diabetes mellitus in young. Identifiers: Orphanet 552, MedGen C0342276, MONDO:0018911, HP:0004904.
Maturity-onset diabetes of the young type 1. Also called: MILD JUVENILE DIABETES MELLITUS; MODY, type I; MODY type 1; Diabetes mellitus MODY type 1; MODY HNF4A related; HNF4A-Related Maturity-Onset Diabetes of the Young Type 1. Identifiers: Orphanet 552, MedGen C1852093, MONDO:0007452, OMIM 125850. Disease mechanism: loss of function.
Familial hyperinsulinism. Also called: Congenital hyperinsulinism. Identifiers: Orphanet 276525, MedGen C3888018, MONDO:0017182. Disease mechanism: loss of function.

Allele frequency attached by ClinVar (database versions not stated): 1000 Genomes Project 30x 0.00062; gnomAD exomes 0.00207; TOPMed 0.00252; gnomAD 0.00323 and 0.00337.
gnomAD v4.1: 494 of 152,586 alleles (0.32%); highest among the groups gnomAD compares: Non-Finnish European, 0.54%; 2 homozygotes.

Submissions (4):

CeGaT Center for Human Genetics Tuebingen
Classification: Benign. Last evaluated: 2022-08-01. Review status: criteria provided, single submitter. Criteria: CeGaT Center For Human Genetics Tuebingen Variant Classification Criteria Version 2. Collection method: clinical testing. Allele origin: germline. Affected: yes. Observed: 1 variant allele.
Comment: HNF4A: BS1, BS2

Illumina Laboratory Services, Illumina
Classification: Uncertain significance for Maturity-onset diabetes of the young type 1. Last evaluated: 2018-01-12. Review status: criteria provided, single submitter. Criteria: ICSL Variant Classification Criteria 13 December 2019. Collection method: clinical testing. Allele origin: germline.

Illumina Laboratory Services, Illumina
Classification: Uncertain significance for Familial hyperinsulinism. Last evaluated: 2018-01-12. Review status: criteria provided, single submitter. Criteria: ICSL Variant Classification Criteria 13 December 2019. Collection method: clinical testing. Allele origin: germline.

Clinical Genomics, Uppaluri K&H Personalized Medicine Clinic
Classification: Benign for Maturity-onset diabetes of the young. Review status: criteria provided, single submitter. Criteria: K & H Uppaluri Personalized Medicine Clinic Variant Classification & Assertion Criteria_Updated V.1. Collection method: research. Allele origin: unknown. Inheritance: Autosomal dominant inheritance.
Comment: Potent mutations in HNF4A are associated with poor insulin secretion in response to hyperglycemia. Associated with MODY1. Patients initially respond well to sulfonylureas but eventually become insulin dependent. However, more evidence is required to ascertain the role of this particular variant rs757386171 in MODY, yet.

Literature cited by the submitters: DOI 10.1159/000334532 (cited by Clinical Genomics, Uppaluri K&H Personalized Medicine Clinic); PubMed 18268044 (cited by Clinical Genomics, Uppaluri K&H Personalized Medicine Clinic); PubMed 17563455 (cited by Clinical Genomics, Uppaluri K&H Personalized Medicine Clinic); PubMed 32583173 (cited by Clinical Genomics, Uppaluri K&H Personalized Medicine Clinic); PubMed 35052457 (cited by Clinical Genomics, Uppaluri K&H Personalized Medicine Clinic); PubMed 35118593 (cited by Clinical Genomics, Uppaluri K&H Personalized Medicine Clinic).

NM_175914.5(HNF4A):c.*1127T>C

Gene: HNF4A (hepatocyte nuclear factor 4 alpha; plus strand). Cytogenetic location: 20q13.12.
Variant type: single nucleotide variant.
Coding change: c.*1127T>C on transcript NM_175914.5 (MANE Select); 1127 bases downstream of the stop codon, T replaced by C.
Molecular consequence: 3 prime UTR variant.
Genome position (GRCh38, 1-based): chr20:44,430,792, T>C. VCF-style: chr20-44430792-T-C. GRCh37 (hg19) VCF-style: chr20-43059432-T-C.
Other names: c.*1127T>C (NM_000457.6, NM_001030003.3, NM_001258355.2 and 3 more transcripts).
Identifiers: ClinVar variation 896801 (VCV000896801.29), dbSNP rs757386171, ClinGen allele CA315421715.